The following is an entry in ClinVar:

NM_003839.4(TNFRSF11A):c.521+1G>C

Gene: TNFRSF11A (TNF receptor superfamily member 11a; plus strand). Cytogenetic location: 18q21.33.
Variant type: single nucleotide variant.
Coding change: c.521+1G>C on transcript NM_003839.4 (MANE Select); the canonical splice donor site of the intron after coding-DNA position 521, G replaced by C.
Molecular consequence: splice donor variant.
Genome position (GRCh38, 1-based): chr18:62,358,342, G>C. VCF-style: chr18-62358342-G-C. GRCh37 (hg19) VCF-style: chr18-60025575-G-C.
Other names: c.521+1G>C (NM_001270949.2, NM_001270950.2, NM_001270951.2); c.479+1G>C (NM_001278268.2).
Identifiers: ClinVar variation 3640205 (VCV003640205.2).
Genomic context (GRCh38, chr18:62,358,342, plus strand): 5'-CCTTGCAGGCTACTTCTCTGATGCCTTTTCCTCCACGGACAAATGCAGACCCTGGACCAA[G>C]TAAGTAACAACAAAGGAGTCAGAAGAGATGGTTGGTTTTTAAACAACTCAACCTCCACTG-3'

ClinVar aggregate classification (germline): Likely pathogenic (1 of 4 stars; one submission).

Submission:

Labcorp Genetics (formerly Invitae), Labcorp
Classification: Likely pathogenic. Last evaluated: 2024-04-02. Review status: criteria provided, single submitter. Criteria: Invitae Variant Classification Sherloc (09022015). Collection method: clinical testing. Allele origin: germline.
Comment: This sequence change affects a donor splice site in intron 5 of the TNFRSF11A gene. It is expected to disrupt RNA splicing. Variants that disrupt the donor or acceptor splice site typically lead to a loss of protein function (PMID: 16199547), and loss-of-function variants in TNFRSF11A are known to be pathogenic (PMID: 10677500, 18606301, 22271396). This variant is not present in population databases (gnomAD no frequency). This variant has not been reported in the literature in individuals affected with TNFRSF11A-related conditions. Algorithms developed to predict the effect of sequence changes on RNA splicing suggest that this variant may disrupt the consensus splice site. In summary, the currently available evidence indicates that the variant is pathogenic, but additional data are needed to prove that conclusively. Therefore, this variant has been classified as Likely Pathogenic.

Literature cited by the submitters: PubMed 16199547; PubMed 10677500; PubMed 18606301; PubMed 22271396.